The following is an entry in ClinVar:

NM_002691.4(POLD1):c.2881C>T (p.Gln961Ter)

Gene: POLD1 (DNA polymerase delta 1, catalytic subunit; plus strand). Cytogenetic location: 19q13.33.
Variant type: single nucleotide variant.
Coding change: c.2881C>T on transcript NM_002691.4 (MANE Select); coding-DNA position 2881, C replaced by T.
Protein change: p.Gln961Ter; replaces glutamine 961 with a stop codon.
Molecular consequence: nonsense. On other transcripts: non-coding transcript variant (1).
Genome position (GRCh38, 1-based): chr19:50,416,456, C>T. VCF-style: chr19-50416456-C-T. GRCh37 (hg19) VCF-style: chr19-50919713-C-T.
Other names: c.2881C>T, p.Gln961Ter (NM_001256849.1); c.2959C>T, p.Gln987Ter (NM_001308632.1); short protein forms Q961*, Q987*.
Identifiers: ClinVar variation 3662510 (VCV003662510.2).
Genomic context (GRCh38, chr19:50,416,456, plus strand): 5'-GACCCGCTGTTCGTGCTGGAGCACAGCCTGCCCATTGACACGCAGTACTACCTGGAGCAG[C>T]AGCTGGCCAAGCCCCTCCTGCGCATCTTCGAGCCCATCCTGGGCGAGGGCCGTGCCGAGG-3'

ClinVar aggregate classification (germline): Uncertain significance (1 of 4 stars; one submission).

Conditions:
POLD1-related polyposis and colorectal cancer syndrome (CRCS10). Also called: Colorectal cancer 10; COLORECTAL CANCER, SUSCEPTIBILITY TO, ON CHROMOSOME 19q; Colorectal cancer, susceptibility to, 10. Identifiers: Orphanet 220460, MedGen C2675481, MONDO:0012953, OMIM 612591.

Submission:

Labcorp Genetics (formerly Invitae), Labcorp
Classification: Uncertain significance for POLD1-related polyposis and colorectal cancer syndrome. Last evaluated: 2024-08-15. Review status: criteria provided, single submitter. Criteria: Invitae Variant Classification Sherloc (09022015). Collection method: clinical testing. Allele origin: germline.
Comment: This sequence change creates a premature translational stop signal (p.Gln961*) in the POLD1 gene. It is expected to result in an absent or disrupted protein product. However, the current clinical and genetic evidence is not sufficient to establish whether loss-of-function variants in POLD1 cause disease. This variant is not present in population databases (gnomAD no frequency). This variant has not been reported in the literature in individuals affected with POLD1-related conditions. In summary, the available evidence is currently insufficient to determine the role of this variant in disease. Therefore, it has been classified as a Variant of Uncertain Significance.